The following is an entry in ClinVar:

NM_000452.3(SLC10A2):c.560C>T (p.Pro187Leu)

Gene: SLC10A2 (solute carrier family 10 member 2; minus strand). Cytogenetic location: 13q33.1.
Variant type: single nucleotide variant.
Coding change: c.560C>T on transcript NM_000452.3 (MANE Select); coding-DNA position 560, C replaced by T.
Protein change: p.Pro187Leu; replaces proline 187 with leucine.
Molecular consequence: missense variant.
Genome position (GRCh38, 1-based): chr13:103,052,645, G>A on the plus strand (C>T on the coding strand, the complement: SLC10A2 is on the minus strand). VCF-style: chr13-103052645-G-A. GRCh37 (hg19) VCF-style: chr13-103704995-G-A.
Other names: c.560C>T (NM_000452.2); short protein forms P187L.
Identifiers: ClinVar variation 502390 (VCV000502390.11), dbSNP rs201929731, ClinGen allele CA7042158.

ClinVar aggregate classification (germline): Uncertain significance. Review status: criteria provided, multiple submitters, no conflicts (2 of 4 stars). 3 submissions from 3 submitters: Uncertain significance (2). 1 of the submissions does not count toward it. Last evaluated 2025-10-03.

Conditions:
SLC10A2-related disorder. Also called: SLC10A2-related condition.

Allele frequency attached by ClinVar (database versions not stated): ESP Exome Variant Server 0.00008; gnomAD exomes 0.00009 and 0.00015; gnomAD 0.00011; TOPMed 0.00013; ExAC 0.00016.
gnomAD v4.1: 158 of 1,611,146 alleles (0.0098%); highest among the groups gnomAD compares: Middle Eastern, 0.049%; no homozygotes.

Submissions (3):

Labcorp Genetics (formerly Invitae), Labcorp
Classification: Uncertain significance. Last evaluated: 2025-10-03. Review status: criteria provided, single submitter. Criteria: Invitae Variant Classification Sherloc (09022015). Collection method: clinical testing. Allele origin: germline.
Comment: This sequence change replaces proline, which is neutral and non-polar, with leucine, which is neutral and non-polar, at codon 187 of the SLC10A2 protein (p.Pro187Leu). This variant is present in population databases (rs201929731, gnomAD 0.04%). This variant has not been reported in the literature in individuals affected with SLC10A2-related conditions. ClinVar contains an entry for this variant (Variation ID: 502390). Invitae Evidence Modeling of protein sequence and biophysical properties (such as structural, functional, and spatial information, amino acid conservation, physicochemical variation, residue mobility, and thermodynamic stability) indicates that this missense variant is expected to disrupt SLC10A2 protein function with a positive predictive value of 80%. In summary, the available evidence is currently insufficient to determine the role of this variant in disease. Therefore, it has been classified as a Variant of Uncertain Significance.

Eurofins Ntd Llc (ga)
Classification: Uncertain significance. Last evaluated: 2017-06-12. Review status: criteria provided, single submitter. Criteria: EGL Classification Definitions 2015. Collection method: clinical testing. Allele origin: germline. Observed: 2 variant alleles, 2 heterozygotes.

PreventionGenetics, part of Exact Sciences
Classification: Uncertain significance for SLC10A2-related condition. Last evaluated: 2024-09-12. Review status: no assertion criteria provided. Collection method: clinical testing. Allele origin: germline. Not counted in ClinVar's aggregate classification.
Comment: The SLC10A2 c.560C>T variant is predicted to result in the amino acid substitution p.Pro187Leu. To our knowledge, this variant has not been reported in the literature. This variant is reported in 0.037% of alleles in individuals of Latino descent in gnomAD. At this time, the clinical significance of this variant is uncertain due to the absence of conclusive functional and genetic evidence.